The following is an entry in ClinVar:

NM_001145809.2(MYH14):c.6107_6111del (p.Gln2036fs)

Gene: MYH14 (myosin heavy chain 14; plus strand). Cytogenetic location: 19q13.33.
Variant type: Deletion.
Coding change: c.6107_6111del on transcript NM_001145809.2 (MANE Select); coding-DNA positions 6107 to 6111, 5 bases deleted (AGTGA; older notation c.6107_6111delAGTGA).
Protein change: p.Gln2036fs; shifts the reading frame from glutamine 2036.
Molecular consequence: frameshift variant.
Genome position (GRCh38, 1-based): chr19:50,309,786-50,309,790, AGTGA deleted. VCF-style (leftmost placement, unchanged base first): chr19-50309785-CAGTGA-C. GRCh37 (hg19) VCF-style: chr19-50813042-CAGTGA-C.
Other names: c.6008_6012del, p.Gln2003fs (NM_001077186.2); c.5984_5988del, p.Gln1995fs (NM_024729.4); short protein forms Q1995fs, Q2003fs, Q2036fs.
Identifiers: ClinVar variation 1206358 (VCV001206358.3), dbSNP rs2036795308, ClinGen allele CA996758992.

ClinVar aggregate classification (germline): Pathogenic. Review status: criteria provided, single submitter (1 of 4 stars). 3 submissions from 3 submitters: Pathogenic (1). 2 of the submissions do not count toward it. Last evaluated 2006-06-30.

Conditions:
Autosomal dominant nonsyndromic hearing loss 4A. Also called: Deafness, autosomal dominant 4A. Identifiers: Orphanet 90635, MedGen C1833503, MONDO:0010915, OMIM 600652.

Submissions (3):

Precision Medicine Center, Zhengzhou University
Classification: Pathogenic for Autosomal dominant nonsyndromic hearing loss 4A. Last evaluated: 2006-06-30. Review status: criteria provided, single submitter. Criteria: ClinGen HL ACMG Specifications v1. Collection method: clinical testing. Allele origin: unknown. Affected: yes.
Comment: PVS1+PM2:The MYH14 c.6107_6111del variant is a deletion predicted to disrupt normal protein function, likely leading to loss of function (PVS1). The variant is absent or extremely rare in population databases (PM2). According to the ACMG/AMP guidelines, this variant is classified as Pathogenic.

Clinical Genetics DNA and cytogenetics Diagnostics Lab, Erasmus MC, Erasmus Medical Center
Classification: Likely benign. Review status: no assertion criteria provided. Collection method: clinical testing. Allele origin: germline. Affected: yes. Study: VKGL Data-share Consensus. Not counted in ClinVar's aggregate classification.

Laboratory of Diagnostic Genome Analysis, Leiden University Medical Center (LUMC)
Classification: Likely benign. Review status: no assertion criteria provided. Collection method: clinical testing. Allele origin: germline. Affected: yes. Study: VKGL Data-share Consensus. Not counted in ClinVar's aggregate classification.